The following is an entry in ClinVar:

NM_018993.4(RIN2):c.22G>A (p.Ala8Thr)

Gene: RIN2 (Ras and Rab interactor 2; plus strand). Cytogenetic location: 20p11.23.
Variant type: single nucleotide variant.
Coding change: c.22G>A on transcript NM_018993.4 (MANE Select); coding-DNA position 22, G replaced by A.
Protein change: p.Ala8Thr; replaces alanine 8 with threonine.
Molecular consequence: missense variant. On other transcripts: 5 prime UTR variant (1).
Genome position (GRCh38, 1-based): chr20:19,889,623, G>A. VCF-style: chr20-19889623-G-A. GRCh37 (hg19) VCF-style: chr20-19870267-G-A.
Other names: c.169G>A, p.Ala57Thr (NM_001242581.2); c.-524G>A (NM_001378238.1); short protein forms A8T, A57T.
Identifiers: ClinVar variation 444567 (VCV000444567.46), dbSNP rs750439004, ClinGen allele CA9779680.

ClinVar aggregate classification (germline): Uncertain significance. Review status: criteria provided, multiple submitters, no conflicts (2 of 4 stars). 2 submissions from 2 submitters: Uncertain significance (2). Last evaluated 2022-04-21.

Allele frequency attached by ClinVar (database versions not stated): gnomAD 0.00002; TOPMed 0.00003; ExAC 0.00005.
gnomAD v4.1: 35 of 1,548,856 alleles (0.0023%); highest among the groups gnomAD compares: Middle Eastern, 0.017%; no homozygotes.

Submissions (2):

Labcorp Genetics (formerly Invitae), Labcorp
Classification: Uncertain significance. Last evaluated: 2022-04-21. Review status: criteria provided, single submitter. Criteria: Invitae Variant Classification Sherloc (09022015). Collection method: clinical testing. Allele origin: germline.
Comment: This sequence change replaces alanine, which is neutral and non-polar, with threonine, which is neutral and polar, at codon 8 of the RIN2 protein (p.Ala8Thr). The frequency data for this variant in the population databases is considered unreliable, as metrics indicate poor data quality at this position in the gnomAD database. This variant has not been reported in the literature in individuals affected with RIN2-related conditions. ClinVar contains an entry for this variant (Variation ID: 444567). Algorithms developed to predict the effect of missense changes on protein structure and function output the following: SIFT: "Tolerated"; PolyPhen-2: "Not Available"; Align-GVGD: "Class C0". The threonine amino acid residue is found in multiple mammalian species, which suggests that this missense change does not adversely affect protein function. In summary, the available evidence is currently insufficient to determine the role of this variant in disease. Therefore, it has been classified as a Variant of Uncertain Significance.

CeGaT Center for Human Genetics Tuebingen
Classification: Uncertain significance. Last evaluated: 2017-07-01. Review status: criteria provided, single submitter. Criteria: CeGaT Center For Human Genetics Tuebingen Variant Classification Criteria Version 2. Collection method: clinical testing. Allele origin: germline. Affected: yes. Observed: 1 variant allele.